The following is an entry in ClinVar:

ClinVar aggregate classification (germline): Likely pathogenic (1 of 4 stars; one submission).

Conditions:
Cohen syndrome (COH1). Also called: PEPPER SYNDROME; Cutis verticis gyrata, retinitis pigmentosa, and sensorineural deafness. Identifiers: Orphanet 193, MedGen C0265223, MONDO:0008999, OMIM 216550.

Submission:

Natera, Inc.
Classification: Likely pathogenic for Cohen syndrome. Last evaluated: 2026-01-07. Review status: criteria provided, single submitter. Criteria: Natera Variant Classification Schema (03/2026). Collection method: clinical testing. Allele origin: germline.
Comment: The c.5752_5753del variant in VPS13B is a frameshift variant predicted to shift the reading frame and introduce a stop codon. This variant is expected to result in nonsense mediated decay, truncation, or a dysfunctional protein product. This variant is rare in the general population with a frequency below the threshold expected for the associated phenotype(s). Given the available evidence, this variant is classified as Likely Pathogenic.

NM_152564.5(VPS13B):c.5677_5678del (p.Ser1892_Leu1893insTer)

Gene: VPS13B (vacuolar protein sorting 13 homolog B; plus strand). Cytogenetic location: 8q22.2.
Variant type: Microsatellite.
Coding change: c.5677_5678del on transcript NM_152564.5 (MANE Select); coding-DNA positions 5677 to 5678, 2 bases deleted (CT; older notation c.5677_5678delCT).
Protein change: p.Ser1892_Leu1893insTer.
Molecular consequence: nonsense. On other transcripts: frameshift variant (2).
Genome position (GRCh38, 1-based): chr8:99,642,267-99,642,268, CT deleted; deleting any 2 consecutive bases within chr8:99,642,261-99,642,268 gives the same sequence; the c. name uses the placement nearest the transcript's 3' end. VCF-style (leftmost placement, unchanged base first): chr8-99642260-CCT-C. GRCh37 (hg19) VCF-style: chr8-100654488-CCT-C.
Other names: c.5746_5747CT[3], p.Leu1918Terfs (NM_017890.4); c.5752_5753del, p.Ser1917_Leu1918insTer (NM_017890.5); c.5752_5753del (NM_017890.4).
Identifiers: ClinVar variation 4815961 (VCV004815961.1).
Genomic context (GRCh38, chr8:99,642,260, plus strand): 5'-GACAGCAGAAGATCTCTTAAGGAGCAGCATTTCTTTTCCTTCAGGGAAAAAAATAGGGGT[CCT>C]CTCTCTTGAAAGTCTTCATGCATCCACAAGGTCATCTGCTAGACAAGCACTTGGTATAAC-3'